The following is an entry in ClinVar:

NM_001369.3(DNAH5):c.4054-2A>G

Genes: DNAH5 (dynein axonemal heavy chain 5; minus strand), DNAH5-AS1 (DNAH5 antisense RNA 1; plus strand). Cytogenetic location: 5p15.2.
Variant type: single nucleotide variant.
Coding change: c.4054-2A>G on transcript NM_001369.3 (MANE Select); the canonical splice acceptor site of the intron before coding-DNA position 4054, A replaced by G.
Molecular consequence: splice acceptor variant.
Genome position (GRCh38, 1-based): chr5:13,866,284, T>C on the plus strand (A>G on the coding strand, the complement: DNAH5 is on the minus strand). VCF-style: chr5-13866284-T-C. GRCh37 (hg19) VCF-style: chr5-13866393-T-C.
Identifiers: ClinVar variation 2864685 (VCV002864685.3), dbSNP rs1769239782, ClinGen allele CA359226976.
Genomic context (GRCh38, chr5:13,866,284, plus strand): 5'-AACATGATAAGCCTGTCACTGGCTTCCTGGGGCTTCAAGCCGCTAGCCATTGGACCATTC[T>C]GAACAAAAAGTAAAAAAAGAAAAATAGAAGGAAGTGTTTGCATATAAATTTCATGAACTC-3'

ClinVar aggregate classification (germline): Likely pathogenic (1 of 4 stars; one submission).

Conditions:
Primary ciliary dyskinesia. Also called: Ciliary dyskinesia. Identifiers: Orphanet 244, MedGen C0008780, MONDO:0016575, HP:0012265.

Allele frequency attached by ClinVar (database versions not stated): gnomAD exomes below 0.00001; TOPMed below 0.00001; gnomAD 0.00001.
gnomAD v4.1: 2 of 1,612,598 alleles (0.00012%); highest among the groups gnomAD compares: Admixed American, 0.0033%; no homozygotes.

Submission:

Labcorp Genetics (formerly Invitae), Labcorp
Classification: Likely pathogenic for Primary ciliary dyskinesia. Last evaluated: 2023-07-25. Review status: criteria provided, single submitter. Criteria: Invitae Variant Classification Sherloc (09022015). Collection method: clinical testing. Allele origin: germline.
Comment: This sequence change affects an acceptor splice site in intron 25 of the DNAH5 gene. It is expected to disrupt RNA splicing. Variants that disrupt the donor or acceptor splice site typically lead to a loss of protein function (PMID: 16199547), and loss-of-function variants in DNAH5 are known to be pathogenic (PMID: 11788826, 16627867). This variant is not present in population databases (gnomAD no frequency). This variant has not been reported in the literature in individuals affected with DNAH5-related conditions. Algorithms developed to predict the effect of sequence changes on RNA splicing suggest that this variant may disrupt the consensus splice site. In summary, the currently available evidence indicates that the variant is pathogenic, but additional data are needed to prove that conclusively. Therefore, this variant has been classified as Likely Pathogenic.

Literature cited by the submitters: PubMed 16199547; PubMed 11788826; PubMed 16627867.